The following is an entry in ClinVar:

ClinVar aggregate classification (germline): Likely benign. Review status: criteria provided, single submitter (1 of 4 stars). 2 submissions from 2 submitters: Likely benign (1). 1 of the submissions does not count toward it. Last evaluated 2024-02-24.

Conditions:
Epileptic encephalopathy. Identifiers: MedGen C0543888, HP:0200134.
FASN-related disorder. Also called: FASN-related condition.

Allele frequency attached by ClinVar (database versions not stated): gnomAD 0.00001; TOPMed 0.00001; gnomAD exomes 0.00002 and 0.00003; ExAC 0.00004.
gnomAD v4.1: 31 of 1,612,720 alleles (0.0019%); highest among the groups gnomAD compares: South Asian, 0.0088%; no homozygotes.

Submissions (2):

Labcorp Genetics (formerly Invitae), Labcorp
Classification: Likely benign for Epileptic encephalopathy. Last evaluated: 2024-02-24. Review status: criteria provided, single submitter. Criteria: Invitae Variant Classification Sherloc (09022015). Collection method: clinical testing. Allele origin: germline.

PreventionGenetics, part of Exact Sciences
Classification: Likely benign for FASN-related condition. Last evaluated: 2020-04-06. Review status: no assertion criteria provided. Collection method: clinical testing. Allele origin: germline. Not counted in ClinVar's aggregate classification.
Comment: This variant is classified as likely benign based on ACMG/AMP sequence variant interpretation guidelines (Richards et al. 2015 PMID: 25741868, with internal and published modifications).

NM_004104.5(FASN):c.102G>A (p.Thr34=)

Gene: FASN (fatty acid synthase; minus strand). Cytogenetic location: 17q25.3.
Variant type: single nucleotide variant.
Coding change: c.102G>A on transcript NM_004104.5 (MANE Select); coding-DNA position 102, G replaced by A.
Protein change: p.Thr34=; no amino-acid change (threonine 34 retained).
Molecular consequence: synonymous variant.
Genome position (GRCh38, 1-based): chr17:82,096,344, C>T on the plus strand (G>A on the coding strand, the complement: FASN is on the minus strand). VCF-style: chr17-82096344-C-T. GRCh37 (hg19) VCF-style: chr17-80054220-C-T.
Other names: c.102G>A (NM_004104.4).
Identifiers: ClinVar variation 1005781 (VCV001005781.10), dbSNP rs748255121, ClinGen allele CA8853677.